The following is an entry in ClinVar:

NM_001267550.2(TTN):c.39710-8C>A

Gene: TTN (titin; minus strand). Cytogenetic location: 2q31.2.
Variant type: single nucleotide variant.
Coding change: c.39710-8C>A on transcript NM_001267550.2 (MANE Select); 8 bases into the intron before coding-DNA position 39710, C replaced by A.
Molecular consequence: intron variant.
Genome position (GRCh38, 1-based): chr2:178,650,279, G>T on the plus strand (C>A on the coding strand, the complement: TTN is on the minus strand). VCF-style: chr2-178650279-G-T. GRCh37 (hg19) VCF-style: chr2-179515006-G-T.
Other names: c.13283-7962C>A (NM_003319.4); c.13859-7962C>A (NM_133437.4); c.13658-7962C>A (NM_133432.3); c.32408-8C>A (NM_133378.4); c.35189-8C>A (NM_001256850.1).
Identifiers: ClinVar variation 1219393 (VCV001219393.3), dbSNP rs375810467, ClinGen allele CA60967231.

ClinVar aggregate classification (germline): Uncertain significance (1 of 4 stars; one submission).

Allele frequency attached by ClinVar (database versions not stated): TOPMed 0.00004.
gnomAD v4.1: 8 of 1,552,018 alleles (0.00052%); highest among the groups gnomAD compares: African/African-American, 0.0096%; no homozygotes.

Submission:

GeneDx
Classification: Uncertain significance. Last evaluated: 2020-10-26. Review status: criteria provided, single submitter. Criteria: GeneDx Variant Classification Process June 2021. Collection method: clinical testing. Allele origin: germline. Affected: yes.
Comment: Has not been previously published as pathogenic or benign to our knowledge; In-silico analysis, which includes splice predictors and evolutionary conservation, is inconclusive as to whether the variant alters gene splicing. In the absence of RNA/functional studies, the actual effect of this sequence change is unknown.